The following is an entry in ClinVar:

NM_016507.4(CDK12):c.990G>C (p.Arg330Ser)

Genes: CDK12 (cyclin dependent kinase 12; plus strand), LOC126862553 (CDK7 strongly-dependent group 2 enhancer GRCh37_chr17:37618166-37619365; plus strand). Cytogenetic location: 17q12.
Variant type: single nucleotide variant.
Coding change: c.990G>C on transcript NM_016507.4 (MANE Select); coding-DNA position 990, G replaced by C.
Protein change: p.Arg330Ser; replaces arginine 330 with serine.
Molecular consequence: missense variant.
Genome position (GRCh38, 1-based): chr17:39,463,061, G>C. VCF-style: chr17-39463061-G-C. GRCh37 (hg19) VCF-style: chr17-37619314-G-C.
Other names: c.990G>C, p.Arg330Ser (NM_015083.4); short protein forms R330S.
Identifiers: ClinVar variation 4224360 (VCV004224360.1).

ClinVar aggregate classification (germline): Uncertain significance (1 of 4 stars; one submission).

Submission:

Ambry Genetics
Classification: Uncertain significance. Last evaluated: 2025-08-08. Review status: criteria provided, single submitter. Criteria: Ambry Variant Classification Scheme 2023. Collection method: clinical testing. Allele origin: germline.
Comment: The p.R330S variant (also known as c.990G>C), located in coding exon 1 of the CDK12 gene, results from a G to C substitution at nucleotide position 990. The arginine at codon 330 is replaced by serine, an amino acid with dissimilar properties. This amino acid position is conserved. In addition, the in silico prediction for this alteration is inconclusive. Based on the available evidence, the clinical significance of this variant remains unclear.